The following is an entry in ClinVar:

ClinVar aggregate classification (germline): Uncertain significance (1 of 4 stars; one submission).

Conditions:
Bethlem myopathy 1A. Also called: MYOPATHY, BENIGN CONGENITAL, WITH CONTRACTURES; Bethlem Muscular Dystrophy; Bethlem myopathy 1. Identifiers: Orphanet 610, MedGen CN029274, MONDO:0024530, OMIM 158810.

Allele frequency attached by ClinVar (database versions not stated): ExAC 0.00001.
gnomAD v4.1: 3 of 1,611,546 alleles (0.00019%); highest among the groups gnomAD compares: Non-Finnish European, 0.00017%; no homozygotes.

Submission:

Labcorp Genetics (formerly Invitae), Labcorp
Classification: Uncertain significance for Bethlem myopathy 1A. Last evaluated: 2024-02-12. Review status: criteria provided, single submitter. Criteria: Invitae Variant Classification Sherloc (09022015). Collection method: clinical testing. Allele origin: germline.
Comment: This sequence change replaces leucine, which is neutral and non-polar, with phenylalanine, which is neutral and non-polar, at codon 866 of the COL6A3 protein (p.Leu866Phe). This variant is present in population databases (rs756764528, gnomAD 0.0009%). This variant has not been reported in the literature in individuals affected with COL6A3-related conditions. ClinVar contains an entry for this variant (Variation ID: 2056753). Advanced modeling of protein sequence and biophysical properties (such as structural, functional, and spatial information, amino acid conservation, physicochemical variation, residue mobility, and thermodynamic stability) performed at Invitae indicates that this missense variant is not expected to disrupt COL6A3 protein function with a negative predictive value of 80%. In summary, the available evidence is currently insufficient to determine the role of this variant in disease. Therefore, it has been classified as a Variant of Uncertain Significance.

NM_004369.4(COL6A3):c.2596C>T (p.Leu866Phe)

Gene: COL6A3 (collagen type VI alpha 3 chain; minus strand). Cytogenetic location: 2q37.3.
Variant type: single nucleotide variant.
Coding change: c.2596C>T on transcript NM_004369.4 (MANE Select); coding-DNA position 2596, C replaced by T.
Protein change: p.Leu866Phe; replaces leucine 866 with phenylalanine.
Molecular consequence: missense variant.
Genome position (GRCh38, 1-based): chr2:237,377,246, G>A on the plus strand (C>T on the coding strand, the complement: COL6A3 is on the minus strand). VCF-style: chr2-237377246-G-A. GRCh37 (hg19) VCF-style: chr2-238285889-G-A.
Other names: c.1375C>T, p.Leu459Phe (NM_057164.5); c.1978C>T, p.Leu660Phe (NM_057165.5, NM_057167.4); c.775C>T, p.Leu259Phe (NM_057166.5); short protein forms L660F, L259F, L459F, L866F.
Identifiers: ClinVar variation 2056753 (VCV002056753.4), dbSNP rs756764528, ClinGen allele CA2189365.